The following is an entry in ClinVar:

NM_001378457.1(DMXL2):c.203A>C (p.Gln68Pro)

Gene: DMXL2 (Dmx like 2; minus strand). Cytogenetic location: 15q21.2.
Variant type: single nucleotide variant.
Coding change: c.203A>C on transcript NM_001378457.1 (MANE Select); coding-DNA position 203, A replaced by C.
Protein change: p.Gln68Pro; replaces glutamine 68 with proline.
Molecular consequence: missense variant. On other transcripts: non-coding transcript variant (2).
Genome position (GRCh38, 1-based): chr15:51,576,066, T>G on the plus strand (A>C on the coding strand, the complement: DMXL2 is on the minus strand). VCF-style: chr15-51576066-T-G. GRCh37 (hg19) VCF-style: chr15-51868263-T-G.
Other names: c.203A>C, p.Gln68Pro (NM_001378460.1, NM_001378461.1, NM_001378462.1 and 7 more transcripts); short protein forms Q68P.
Identifiers: ClinVar variation 1970341 (VCV001970341.12), dbSNP rs2548745534, ClinGen allele CA392759817.
Genomic context (GRCh38, chr15:51,576,066, plus strand): 5'-TATTAAACACATTTTTAAATGACATTCAGTAAAGAAATTAAATCCCTTACTCTTCCTTGT[T>G]GGTTAGAACACTCCACACAGCTGACTTGGATGTTTCCATGCTTAGCACCAGGAATGATCT-3'
Protein context (NP_001365386.1, residues 58-78): IQVSCVECSN[Gln68Pro]QGRIAASYGN

ClinVar aggregate classification (germline): Conflicting classifications of pathogenicity. Review status: criteria provided, conflicting classifications (1 of 4 stars). 2 submissions from 2 submitters: Uncertain significance (1); Likely benign (1). Last evaluated 2025-09-01.

Allele frequency attached by ClinVar (database versions not stated): gnomAD exomes below 0.00001.
gnomAD v4.1: 1 of 1,606,104 alleles (0.000062%); highest among the groups gnomAD compares: African/African-American, 0.0013%; no homozygotes.

Submissions (2):

CeGaT Center for Human Genetics Tuebingen
Classification: Likely benign. Last evaluated: 2025-09-01. Review status: criteria provided, single submitter. Criteria: CeGaT Center For Human Genetics Tuebingen Variant Classification Criteria Version 2. Collection method: clinical testing. Allele origin: germline. Affected: yes. Observed: 1 variant allele.
Comment: DMXL2: BP4

Labcorp Genetics (formerly Invitae), Labcorp
Classification: Uncertain significance. Last evaluated: 2022-08-10. Review status: criteria provided, single submitter. Criteria: Invitae Variant Classification Sherloc (09022015). Collection method: clinical testing. Allele origin: germline.
Comment: This variant is not present in population databases (gnomAD no frequency). In summary, the available evidence is currently insufficient to determine the role of this variant in disease. Therefore, it has been classified as a Variant of Uncertain Significance. Algorithms developed to predict the effect of missense changes on protein structure and function are either unavailable or do not agree on the potential impact of this missense change (SIFT: "Tolerated"; PolyPhen-2: "Possibly Damaging"; Align-GVGD: "Class C0"). This variant has not been reported in the literature in individuals affected with DMXL2-related conditions. This sequence change replaces glutamine, which is neutral and polar, with proline, which is neutral and non-polar, at codon 68 of the DMXL2 protein (p.Gln68Pro).